The following is an entry in ClinVar:

ClinVar aggregate classification (germline): Uncertain significance (1 of 4 stars; one submission).

Conditions:
Syndromic X-linked intellectual disability 94 (MRXSW). Also called: MENTAL RETARDATION, X-LINKED, SYNDROMIC 29; X-linked intellectual disability due to GRIA3 anomalies. Identifiers: Orphanet 364028, MedGen C2678051, MONDO:0010402, OMIM 300699.

Submission:

Juno Genomics, Hangzhou Juno Genomics, Inc
Classification: Uncertain significance for Syndromic X-linked intellectual disability 94. Review status: criteria provided, single submitter. Criteria: ACMG Guidelines, 2015. Collection method: clinical testing. Allele origin: germline.
Comment: Absent from controls (or at extremely low frequency if recessive) in Genome Aggregation Database.;Multiple lines of computational evidence support a deleterious effect on the gene or gene product.

NM_007325.5(GRIA3):c.787G>T (p.Gly263Trp)

Gene: GRIA3 (glutamate ionotropic receptor AMPA type subunit 3; plus strand). Cytogenetic location: Xq25.
Variant type: single nucleotide variant.
Coding change: c.787G>T on transcript NM_007325.5 (MANE Select); coding-DNA position 787, G replaced by T.
Protein change: p.Gly263Trp; replaces glycine 263 with tryptophan.
Molecular consequence: missense variant.
Genome position (GRCh38, 1-based): chrX:123,395,004, G>T. VCF-style: chrX-123395004-G-T. GRCh37 (hg19) VCF-style: chrX-122528855-G-T.
Other names: c.787G>T, p.Gly263Trp (NM_000828.5); short protein forms G263W.
Identifiers: ClinVar variation 5007496 (VCV005007496.2).
Genomic context (GRCh38, chrX:123,395,004, plus strand): 5'-ATGATCCTTTCAATGTCTTTCCAGGGTTTTACTGATATTTTACTGGAAAGAGTCATGCAT[G>T]GGGGAGCCAACATTACAGGTTTCCAGATTGTCAACAATGAAAACCCTATGGTTCAGCAGT-3'
Protein context (NP_015564.5, residues 253-273): TDILLERVMH[Gly263Trp]GANITGFQIV